The following is an entry in ClinVar:

NM_001127644.2(GABRA1):c.1350A>G (p.Lys450=)

Gene: GABRA1 (gamma-aminobutyric acid type A receptor subunit alpha1; plus strand). Cytogenetic location: 5q34.
Variant type: single nucleotide variant.
Coding change: c.1350A>G on transcript NM_001127644.2 (MANE Select); coding-DNA position 1350, A replaced by G.
Protein change: p.Lys450=; no amino-acid change (lysine 450 retained).
Molecular consequence: synonymous variant.
Genome position (GRCh38, 1-based): chr5:161,897,401, A>G. VCF-style: chr5-161897401-A-G. GRCh37 (hg19) VCF-style: chr5-161324407-A-G.
Other names: p.K450K:AAA>AAG; c.1350A>G, p.Lys450= (NM_000806.5, NM_001127643.2, NM_001127645.2 and 1 more transcripts).
Identifiers: ClinVar variation 137416 (VCV000137416.60), dbSNP rs142385746, ClinGen allele CA290982.

ClinVar aggregate classification (germline): Conflicting classifications of pathogenicity. Review status: criteria provided, conflicting classifications (1 of 4 stars). 6 submissions from 6 submitters: Uncertain significance (1); Benign (2); Likely benign (3). Last evaluated 2026-08-01.

Conditions:
Epilepsy, idiopathic generalized, susceptibility to, 13. Also called: EPILEPSY, JUVENILE MYOCLONIC, SUSCEPTIBILITY TO, 5. Identifiers: Orphanet 307, Orphanet 64280, MedGen C4013473, MONDO:0012627, OMIM 611136.
Epilepsy, childhood absence 4 (ECA4). Also called: EPILEPSY, CHILDHOOD ABSENCE, SUSCEPTIBILITY TO, 4. Identifiers: Orphanet 307, MedGen C1970160.
Idiopathic generalized epilepsy. Also called: EIG; Generalised epilepsy. Identifiers: MedGen C0270850, MONDO:0005579, OMIM 600669.
Inborn genetic diseases. Identifiers: MedGen C0950123, MeSH D030342.

Allele frequency attached by ClinVar (database versions not stated): gnomAD 0.00022 and 0.00025; ESP Exome Variant Server 0.00023; TOPMed 0.00029; ExAC 0.00037; gnomAD exomes 0.00037.
gnomAD v4.1: 477 of 1,614,062 alleles (0.03%); highest among the groups gnomAD compares: Middle Eastern, 0.2%; 2 homozygotes.

Submissions (6):

CeGaT Center for Human Genetics Tuebingen
Classification: Likely benign. Last evaluated: 2026-08-01. Review status: criteria provided, single submitter. Criteria: CeGaT Center For Human Genetics Tuebingen Variant Classification Criteria Version 2. Collection method: clinical testing. Allele origin: germline. Affected: yes. Observed: 9 variant alleles.
Comment: GABRA1: BP4, BP7

Labcorp Genetics (formerly Invitae), Labcorp
Classification: Benign for Epilepsy, childhood absence 4; Epilepsy, idiopathic generalized, susceptibility to, 13; Idiopathic generalized epilepsy. Last evaluated: 2026-01-26. Review status: criteria provided, single submitter. Criteria: Invitae Variant Classification Sherloc (09022015). Collection method: clinical testing. Allele origin: germline.

Blueprint Genetics
Classification: Likely benign. Last evaluated: 2024-09-04. Review status: criteria provided, single submitter. Criteria: ACMG Guidelines, 2015. Collection method: clinical testing. Allele origin: germline.

Illumina Laboratory Services, Illumina
Classification: Uncertain significance for Epilepsy, idiopathic generalized, susceptibility to, 13. Last evaluated: 2018-01-13. Review status: criteria provided, single submitter. Criteria: ICSL Variant Classification Criteria 13 December 2019. Collection method: clinical testing. Allele origin: germline.

Ambry Genetics
Classification: Likely benign for Inborn genetic diseases. Last evaluated: 2016-09-01. Review status: criteria provided, single submitter. Criteria: Ambry Variant Classification Scheme 2023. Collection method: clinical testing. Allele origin: germline.

GeneDx
Classification: Benign. Last evaluated: 2014-05-01. Review status: criteria provided, single submitter. Criteria: GeneDx Variant Classification (06012015). Collection method: clinical testing. Allele origin: germline. Affected: yes.
Comment: This variant is considered likely benign or benign based on one or more of the following criteria: it is a conservative change, it occurs at a poorly conserved position in the protein, it is predicted to be benign by multiple in silico algorithms, and/or has population frequency not consistent with disease.